The following is an entry in ClinVar:

NM_001151.4(SLC25A4):c.82C>G (p.Pro28Ala)

Gene: SLC25A4 (solute carrier family 25 member 4; plus strand). Cytogenetic location: 4q35.1.
Variant type: single nucleotide variant.
Coding change: c.82C>G on transcript NM_001151.4 (MANE Select); coding-DNA position 82, C replaced by G.
Protein change: p.Pro28Ala; replaces proline 28 with alanine.
Molecular consequence: missense variant.
Genome position (GRCh38, 1-based): chr4:185,143,454, C>G. VCF-style: chr4-185143454-C-G. GRCh37 (hg19) VCF-style: chr4-186064608-C-G.
Other names: short protein forms P28A.
Identifiers: ClinVar variation 4811144 (VCV004811144.1).
Genomic context (GRCh38, chr4:185,143,454, plus strand): 5'-TTCCTAAAGGACTTCCTGGCCGGGGGCGTCGCCGCTGCCGTCTCCAAGACCGCGGTCGCC[C>G]CCATCGAGAGGGTCAAACTGCTGCTGCAGGTGAGGACCGCGCGGTGCAAGAGGCGGGCGC-3'
Protein context (NP_001142.2, residues 18-38): AAAVSKTAVA[Pro28Ala]IERVKLLLQV

ClinVar aggregate classification (germline): Uncertain significance (1 of 4 stars; one submission).

Submission:

Labcorp Genetics (formerly Invitae), Labcorp
Classification: Uncertain significance. Last evaluated: 2025-09-21. Review status: criteria provided, single submitter. Criteria: Invitae Variant Classification Sherloc (09022015). Collection method: clinical testing. Allele origin: germline.
Comment: This sequence change replaces proline, which is neutral and non-polar, with alanine, which is neutral and non-polar, at codon 28 of the SLC25A4 protein (p.Pro28Ala). This variant is not present in population databases (gnomAD no frequency). This variant has not been reported in the literature in individuals affected with SLC25A4-related conditions. Invitae Evidence Modeling of protein sequence and biophysical properties (such as structural, functional, and spatial information, amino acid conservation, physicochemical variation, residue mobility, and thermodynamic stability) indicates that this missense variant is expected to disrupt SLC25A4 protein function with a positive predictive value of 80%. In summary, the available evidence is currently insufficient to determine the role of this variant in disease. Therefore, it has been classified as a Variant of Uncertain Significance.